The following is an entry in ClinVar:

ClinVar aggregate classification (germline): Conflicting classifications of pathogenicity. Review status: criteria provided, conflicting classifications (1 of 4 stars). 7 submissions from 5 submitters: Uncertain significance (3); Likely benign (4). Last evaluated 2026-07-01.

Conditions:
Meckel-Gruber syndrome. Also called: DYSENCEPHALIA SPLANCHNOCYSTICA; GRUBER SYNDROME; Dysencephalia splachnocystica. Identifiers: Orphanet 564, MedGen C0265215, MONDO:0018921.
Joubert syndrome. Also called: JOUBERT-BOLTSHAUSER SYNDROME; Familial aplasia of the vermis. Identifiers: Orphanet 475, MedGen C5979921, MONDO:0018772.
Meckel syndrome, type 5 (MKS5). Identifiers: Orphanet 564, MedGen C1969052, MONDO:0012695, OMIM 611561.
Joubert syndrome 7 (JBTS7). Identifiers: Orphanet 220497, MedGen C1969053, MONDO:0012694, OMIM 611560.
Nephronophthisis 8. Identifiers: MedGen CN119610.

Allele frequency attached by ClinVar (database versions not stated): ExAC 0.00009; gnomAD exomes 0.00009; TOPMed 0.00013; gnomAD 0.00014 and 0.00015; ESP Exome Variant Server 0.00046.
gnomAD v4.1: 368 of 1,611,512 alleles (0.023%); highest among the groups gnomAD compares: Non-Finnish European, 0.028%; no homozygotes.

Submissions (7):

CeGaT Center for Human Genetics Tuebingen
Classification: Likely benign. Last evaluated: 2026-07-01. Review status: criteria provided, single submitter. Criteria: CeGaT Center For Human Genetics Tuebingen Variant Classification Criteria Version 2. Collection method: clinical testing. Allele origin: germline. Affected: yes. Observed: 3 variant alleles.
Comment: RPGRIP1L: BP4, BP7

Labcorp Genetics (formerly Invitae), Labcorp
Classification: Likely benign for Joubert syndrome; Meckel-Gruber syndrome. Last evaluated: 2025-06-19. Review status: criteria provided, single submitter. Criteria: Invitae Variant Classification Sherloc (09022015). Collection method: clinical testing. Allele origin: germline.

Blueprint Genetics
Classification: Likely benign. Last evaluated: 2024-09-19. Review status: criteria provided, single submitter. Criteria: ACMG Guidelines, 2015. Collection method: clinical testing. Allele origin: germline.

GeneDx
Classification: Likely benign. Last evaluated: 2020-08-08. Review status: criteria provided, single submitter. Criteria: GeneDx Variant Classification Process June 2021. Collection method: clinical testing. Allele origin: germline. Affected: yes.

Illumina Laboratory Services, Illumina
Classification: Uncertain significance for Meckel syndrome, type 5. Last evaluated: 2018-01-12. Review status: criteria provided, single submitter. Criteria: ICSL Variant Classification Criteria 13 December 2019. Collection method: clinical testing. Allele origin: germline.

Illumina Laboratory Services, Illumina
Classification: Uncertain significance for Nephronophthisis 8. Last evaluated: 2018-01-12. Review status: criteria provided, single submitter. Criteria: ICSL Variant Classification Criteria 13 December 2019. Collection method: clinical testing. Allele origin: germline.

Illumina Laboratory Services, Illumina
Classification: Uncertain significance for Joubert syndrome 7. Last evaluated: 2018-01-12. Review status: criteria provided, single submitter. Criteria: ICSL Variant Classification Criteria 13 December 2019. Collection method: clinical testing. Allele origin: germline.

NM_015272.5(RPGRIP1L):c.1704A>G (p.Gln568=)

Gene: RPGRIP1L (RPGRIP1 like; minus strand). Cytogenetic location: 16q12.2.
Variant type: single nucleotide variant.
Coding change: c.1704A>G on transcript NM_015272.5 (MANE Select); coding-DNA position 1704, A replaced by G.
Protein change: p.Gln568=; no amino-acid change (glutamine 568 retained).
Molecular consequence: synonymous variant.
Genome position (GRCh38, 1-based): chr16:53,652,983, T>C on the plus strand (A>G on the coding strand, the complement: RPGRIP1L is on the minus strand). VCF-style: chr16-53652983-T-C. GRCh37 (hg19) VCF-style: chr16-53686895-T-C.
Other names: c.1704A>G, p.Gln568= (NM_001127897.4, NM_001308334.3, NM_001330538.2).
Identifiers: ClinVar variation 530906 (VCV000530906.27), dbSNP rs141201084, ClinGen allele CA8057715.